The following is an entry in ClinVar:

ClinVar aggregate classification (germline): Uncertain significance (1 of 4 stars; one submission).

Submission:

GeneDx
Classification: Uncertain significance. Last evaluated: 2024-10-16. Review status: criteria provided, single submitter. Criteria: GeneDx Variant Classification Process June 2021. Collection method: clinical testing. Allele origin: germline. Affected: yes.
Comment: In silico analysis indicates that this missense variant does not alter protein structure/function; Has not been previously published as pathogenic or benign to our knowledge

NM_001606.5(ABCA2):c.556G>T (p.Asp186Tyr)

Gene: ABCA2 (ATP binding cassette subfamily A member 2; minus strand). Cytogenetic location: 9q34.3.
Variant type: single nucleotide variant.
Coding change: c.556G>T on transcript NM_001606.5 (MANE Select); coding-DNA position 556, G replaced by T.
Protein change: p.Asp186Tyr; replaces aspartic acid 186 with tyrosine.
Molecular consequence: missense variant.
Genome position (GRCh38, 1-based): chr9:137,022,362, C>A on the plus strand (G>T on the coding strand, the complement: ABCA2 is on the minus strand). VCF-style: chr9-137022362-C-A. GRCh37 (hg19) VCF-style: chr9-139916814-C-A.
Other names: c.553G>T, p.Asp185Tyr (NM_001411042.1); c.646G>T, p.Asp216Tyr (NM_212533.3); short protein forms D186Y, D185Y, D216Y.
Identifiers: ClinVar variation 3781011 (VCV003781011.1).